The following is an entry in ClinVar:

NM_004525.3(LRP2):c.6742G>A (p.Val2248Ile)

Gene: LRP2 (LDL receptor related protein 2; minus strand). Cytogenetic location: 2q31.1.
Variant type: single nucleotide variant.
Coding change: c.6742G>A on transcript NM_004525.3 (MANE Select); coding-DNA position 6742, G replaced by A.
Protein change: p.Val2248Ile; replaces valine 2248 with isoleucine.
Molecular consequence: missense variant.
Genome position (GRCh38, 1-based): chr2:169,206,978, C>T on the plus strand (G>A on the coding strand, the complement: LRP2 is on the minus strand). VCF-style: chr2-169206978-C-T. GRCh37 (hg19) VCF-style: chr2-170063488-C-T.
Other names: c.6742G>A (NM_004525.2); short protein forms V2248I.
Identifiers: ClinVar variation 1445689 (VCV001445689.7), dbSNP rs139303296, ClinGen allele CA1954228.

ClinVar aggregate classification (germline): Conflicting classifications of pathogenicity. Review status: criteria provided, conflicting classifications (1 of 4 stars). 3 submissions from 3 submitters: Uncertain significance (2); Likely benign (1). Last evaluated 2025-01-23.

Conditions:
Inborn genetic diseases. Identifiers: MedGen C0950123, MeSH D030342.
Donnai-Barrow syndrome. Also called: DBS/FOAR SYNDROME; FACIOOCULOACOUSTICORENAL SYNDROME. Identifiers: Orphanet 2143, MedGen C1857277, MONDO:0009104, OMIM 222448.

Allele frequency attached by ClinVar (database versions not stated): ExAC 0.00002; gnomAD exomes 0.00002 and 0.00004; ESP Exome Variant Server 0.00008; TOPMed 0.00008; gnomAD 0.00011 and 0.00012; 1000 Genomes Project 30x 0.00016; 1000 Genomes Project 0.00020.
gnomAD v4.1: 51 of 1,614,178 alleles (0.0032%); highest among the groups gnomAD compares: African/African-American, 0.031%; no homozygotes.

Submissions (3):

Ambry Genetics
Classification: Likely benign for Inborn genetic diseases. Last evaluated: 2025-01-23. Review status: criteria provided, single submitter. Criteria: Ambry Variant Classification Scheme 2023. Collection method: clinical testing. Allele origin: germline.

Labcorp Genetics (formerly Invitae), Labcorp
Classification: Uncertain significance. Last evaluated: 2024-10-25. Review status: criteria provided, single submitter. Criteria: Invitae Variant Classification Sherloc (09022015). Collection method: clinical testing. Allele origin: germline.
Comment: This sequence change replaces valine, which is neutral and non-polar, with isoleucine, which is neutral and non-polar, at codon 2248 of the LRP2 protein (p.Val2248Ile). This variant is present in population databases (rs139303296, gnomAD 0.02%). This variant has not been reported in the literature in individuals affected with LRP2-related conditions. ClinVar contains an entry for this variant (Variation ID: 1445689). Invitae Evidence Modeling of protein sequence and biophysical properties (such as structural, functional, and spatial information, amino acid conservation, physicochemical variation, residue mobility, and thermodynamic stability) indicates that this missense variant is not expected to disrupt LRP2 protein function with a negative predictive value of 80%. In summary, the available evidence is currently insufficient to determine the role of this variant in disease. Therefore, it has been classified as a Variant of Uncertain Significance.

Fulgent Genetics
Classification: Uncertain significance for Donnai-Barrow syndrome. Last evaluated: 2024-04-26. Review status: criteria provided, single submitter. Criteria: ACMG Guidelines, 2015. Collection method: clinical testing. Allele origin: germline.